The following is an entry in ClinVar:

NM_001363711.2(DUOX2):c.2431T>C (p.Phe811Leu)

Gene: DUOX2 (dual oxidase 2; minus strand). Cytogenetic location: 15q21.1.
Variant type: single nucleotide variant.
Coding change: c.2431T>C on transcript NM_001363711.2 (MANE Select); coding-DNA position 2431, T replaced by C.
Protein change: p.Phe811Leu; replaces phenylalanine 811 with leucine.
Molecular consequence: missense variant.
Genome position (GRCh38, 1-based): chr15:45,104,269, A>G on the plus strand (T>C on the coding strand, the complement: DUOX2 is on the minus strand). VCF-style: chr15-45104269-A-G. GRCh37 (hg19) VCF-style: chr15-45396467-A-G.
Other names: c.2431T>C, p.Phe811Leu (NM_014080.5); short protein forms F811L.
Identifiers: ClinVar variation 2101998 (VCV002101998.1), dbSNP rs1041969242, ClinGen allele CA270128241.
Genomic context (GRCh38, chr15:45,104,269, plus strand): 5'-CCAGAGAGAACATGGACTCCACAAACATGTCCTGGGGCTTGAGGCCCAGGGACTCGGCAA[A>G]CTCGGCCCTGCTCAGCTCGCAGGTCAGGGCCTCCCGCACCTTCTGGGAGGAGTCCAGGGG-3'
Protein context (NP_001350640.1, residues 801-821): ALTCELSRAE[Phe811Leu]AESLGLKPQD

ClinVar aggregate classification (germline): Uncertain significance (1 of 4 stars; one submission).

Allele frequency attached by ClinVar (database versions not stated): TOPMed below 0.00001; gnomAD 0.00001; gnomAD exomes 0.00001; 1000 Genomes Project 30x 0.00016.
gnomAD v4.1: 13 of 1,613,978 alleles (0.00081%); highest among the groups gnomAD compares: Non-Finnish European, 0.0011%; no homozygotes.

Submission:

Labcorp Genetics (formerly Invitae), Labcorp
Classification: Uncertain significance. Last evaluated: 2022-06-15. Review status: criteria provided, single submitter. Criteria: Invitae Variant Classification Sherloc (09022015). Collection method: clinical testing. Allele origin: germline.
Comment: This sequence change replaces phenylalanine, which is neutral and non-polar, with leucine, which is neutral and non-polar, at codon 811 of the DUOX2 protein (p.Phe811Leu). This variant is not present in population databases (gnomAD no frequency). This variant has not been reported in the literature in individuals affected with DUOX2-related conditions. Advanced modeling of protein sequence and biophysical properties (such as structural, functional, and spatial information, amino acid conservation, physicochemical variation, residue mobility, and thermodynamic stability) performed at Invitae indicates that this missense variant is not expected to disrupt DUOX2 protein function. In summary, the available evidence is currently insufficient to determine the role of this variant in disease. Therefore, it has been classified as a Variant of Uncertain Significance.